The following is an entry in ClinVar:

NM_145728.3(SYNM):c.3121A>G (p.Arg1041Gly)

Gene: SYNM (synemin; plus strand). Cytogenetic location: 15q26.3.
Variant type: single nucleotide variant.
Coding change: c.3121A>G on transcript NM_145728.3 (MANE Select); coding-DNA position 3121, A replaced by G.
Protein change: p.Arg1041Gly; replaces arginine 1041 with glycine.
Molecular consequence: missense variant.
Genome position (GRCh38, 1-based): chr15:99,131,481, A>G. VCF-style: chr15-99131481-A-G. GRCh37 (hg19) VCF-style: chr15-99671686-A-G.
Other names: c.3121A>G, p.Arg1041Gly (NM_015286.6); short protein forms R1041G.
Identifiers: ClinVar variation 2645741 (VCV002645741.24), dbSNP rs200334974, ClinGen allele CA7753905.

ClinVar aggregate classification (germline): Likely benign (1 of 4 stars; one submission).

Allele frequency attached by ClinVar (database versions not stated): gnomAD 0.00092; gnomAD exomes 0.00095; ESP Exome Variant Server 0.00101; TOPMed 0.00101; 1000 Genomes Project 30x 0.00156; 1000 Genomes Project 0.00180; ExAC 0.00211.
gnomAD v4.1: 1,566 of 1,606,290 alleles (0.097%); highest among the groups gnomAD compares: South Asian, 0.81%; 17 homozygotes.

Submission:

CeGaT Center for Human Genetics Tuebingen
Classification: Likely benign. Last evaluated: 2023-07-01. Review status: criteria provided, single submitter. Criteria: CeGaT Center For Human Genetics Tuebingen Variant Classification Criteria Version 2. Collection method: clinical testing. Allele origin: germline. Affected: yes. Observed: 1 variant allele.
Comment: SYNM: BP4, BS2